The following is an entry in ClinVar:

NM_000384.3(APOB):c.8608A>G (p.Ser2870Gly)

Gene: APOB (apolipoprotein B; minus strand). Cytogenetic location: 2p24.1.
Variant type: single nucleotide variant.
Coding change: c.8608A>G on transcript NM_000384.3 (MANE Select); coding-DNA position 8608, A replaced by G.
Protein change: p.Ser2870Gly; replaces serine 2870 with glycine.
Molecular consequence: missense variant.
Genome position (GRCh38, 1-based): chr2:21,008,260, T>C on the plus strand (A>G on the coding strand, the complement: APOB is on the minus strand). VCF-style: chr2-21008260-T-C. GRCh37 (hg19) VCF-style: chr2-21231132-T-C.
Other names: p.Ser2870Gly; short protein forms S2870G.
Identifiers: ClinVar variation 927686 (VCV000927686.15), dbSNP rs373961682, ClinGen allele CA065846.
Genomic context (GRCh38, chr2:21,008,260, plus strand): 5'-AGTATTTAGTGTTGCTATCCAGGGTAAGCTGATTGTTTATCTTGACAATCACTCCATTAC[T>C]AAGCTCCAGTGTATTTTTTTCTGTGTGTAAACTTGCCACTGTGTTTGATTTTCCCTCAAT-3'
Protein context (NP_000375.3, residues 2860-2880): LHTEKNTLEL[Ser2870Gly]NGVIVKINNQ

ClinVar aggregate classification (germline): Conflicting classifications of pathogenicity. Review status: criteria provided, conflicting classifications (1 of 4 stars). 5 submissions from 5 submitters: Uncertain significance (4); Likely benign (1). Last evaluated 2025-12-19.

Conditions:
Cardiovascular phenotype. Identifiers: MedGen CN230736.
Familial hypobetalipoproteinemia 1. Also called: Hypobetalipoproteinemia, normotriglyceridemic; Acanthocytosis with hypobetalipoproteinemia; APOB-Related Familial Hypobetalipoproteinemia. Identifiers: MedGen C4551990, MONDO:0014252, OMIM 615558.
Hypercholesterolemia, autosomal dominant, type B (FHCL2). Also called: Familial Hypercholesterolemia Type B; HYPERCHOLESTEROLEMIA, FAMILIAL, DUE TO LIGAND-DEFECTIVE APOLIPOPROTEIN B; Familial hypercholesterolemia 2; APOB-Related Familial Hypercholesterolemia, Autosomal Dominant; APOLIPOPROTEIN B-100, FAMILIAL DEFECTIVE; APOLIPOPROTEIN B-100, FAMILIAL LIGAND-DEFECTIVE. Identifiers: MedGen C1704417, MONDO:0007751, OMIM 144010.

Allele frequency attached by ClinVar (database versions not stated): gnomAD exomes 0.00008 and 0.00006; ExAC 0.00003; gnomAD 0.00004; TOPMed 0.00005; ESP Exome Variant Server 0.00008.
gnomAD v4.1: 124 of 1,613,940 alleles (0.0077%); highest among the groups gnomAD compares: Non-Finnish European, 0.0096%; no homozygotes.

Submissions (5):

Ambry Genetics
Classification: Uncertain significance for Cardiovascular phenotype. Last evaluated: 2025-12-19. Review status: criteria provided, single submitter. Criteria: Ambry Variant Classification Scheme 2023. Collection method: clinical testing. Allele origin: germline.
Comment: The p.S2870G variant (also known as c.8608A>G), located in coding exon 26 of the APOB gene, results from an A to G substitution at nucleotide position 8608. The serine at codon 2870 is replaced by glycine, an amino acid with similar properties. This amino acid position is conserved. In addition, this alteration is predicted to be tolerated by in silico analysis. Since supporting evidence is limited at this time, the clinical significance of this alteration remains unclear.

Labcorp Genetics (formerly Invitae), Labcorp
Classification: Likely benign for Familial hypobetalipoproteinemia 1; Hypercholesterolemia, autosomal dominant, type B. Last evaluated: 2025-07-30. Review status: criteria provided, single submitter. Criteria: Invitae Variant Classification Sherloc (09022015). Collection method: clinical testing. Allele origin: germline.

Quest Diagnostics Nichols Institute San Juan Capistrano
Classification: Uncertain significance. Last evaluated: 2025-02-11. Review status: criteria provided, single submitter. Criteria: Quest Diagnostics criteria. Collection method: clinical testing. Allele origin: unknown.
Comment: The APOB c.8608A>G (p.Ser2870Gly) variant has not been reported in individuals with APOB-related conditions in the published literature. The frequency of this variant in the general population (Genome Aggregation Database) is uninformative in the assessment of its pathogenicity. Analysis of this variant using bioinformatics tools for the prediction of the effect of amino acid changes on protein structure and function yielded predictions that this variant is benign. Based on the available information, we are unable to determine the clinical significance of this variant.

Mayo Clinic Laboratories, Mayo Clinic
Classification: Uncertain significance. Last evaluated: 2022-02-16. Review status: criteria provided, single submitter. Criteria: ACMG Guidelines, 2015. Collection method: clinical testing. Allele origin: germline. Observed: 1 variant allele.
Comment: BP4

Molecular Diagnostic Laboratory for Inherited Cardiovascular Disease, Montreal Heart Institute
Classification: Uncertain significance. Last evaluated: 2020-02-21. Review status: criteria provided, single submitter. Criteria: ACMG Guidelines, 2015. Collection method: clinical testing. Allele origin: germline. Affected: yes.

Literature cited by the submitters: PubMed 39481677 (cited by Quest Diagnostics Nichols Institute San Juan Capistrano).